The following is an entry in ClinVar:

ClinVar aggregate classification (germline): Uncertain significance (1 of 4 stars; one submission).

Allele frequency attached by ClinVar (database versions not stated): ExAC 0.00003; gnomAD exomes 0.00003 and 0.00004; gnomAD 0.00004; ESP Exome Variant Server 0.00008.
gnomAD v4.1: 58 of 1,613,726 alleles (0.0036%); highest among the groups gnomAD compares: Middle Eastern, 0.05%; no homozygotes.

Submission:

Labcorp Genetics (formerly Invitae), Labcorp
Classification: Uncertain significance. Last evaluated: 2023-09-17. Review status: criteria provided, single submitter. Criteria: Invitae Variant Classification Sherloc (09022015). Collection method: clinical testing. Allele origin: germline.
Comment: In summary, the available evidence is currently insufficient to determine the role of this variant in disease. Therefore, it has been classified as a Variant of Uncertain Significance. An algorithm developed to predict the effect of missense changes on protein structure and function (PolyPhen-2) suggests that this variant¬†is likely to be tolerated. ClinVar contains an entry for this variant (Variation ID: 1482137). This variant has not been reported in the literature in individuals affected with GGCX-related conditions. This variant is present in population databases (rs373222495, gnomAD 0.009%). This sequence change replaces valine, which is neutral and non-polar, with isoleucine, which is neutral and non-polar, at codon 302 of the GGCX protein (p.Val302Ile).

NM_000821.7(GGCX):c.904G>A (p.Val302Ile)

Gene: GGCX (gamma-glutamyl carboxylase; minus strand). Cytogenetic location: 2p11.2.
Variant type: single nucleotide variant.
Coding change: c.904G>A on transcript NM_000821.7 (MANE Select); coding-DNA position 904, G replaced by A.
Protein change: p.Val302Ile; replaces valine 302 with isoleucine.
Molecular consequence: missense variant.
Genome position (GRCh38, 1-based): chr2:85,553,483, C>T on the plus strand (G>A on the coding strand, the complement: GGCX is on the minus strand). VCF-style: chr2-85553483-C-T. GRCh37 (hg19) VCF-style: chr2-85780606-C-T.
Other names: c.733G>A, p.Val245Ile (NM_001142269.4); short protein forms V302I, V245I.
Identifiers: ClinVar variation 1482137 (VCV001482137.4), dbSNP rs373222495, ClinGen allele CA1741974.